The following is an entry in ClinVar:

NM_172364.5(CACNA2D4):c.2407C>T (p.Arg803Cys)

Gene: CACNA2D4 (calcium voltage-gated channel auxiliary subunit alpha2delta 4; minus strand). Cytogenetic location: 12p13.33.
Variant type: single nucleotide variant.
Coding change: c.2407C>T on transcript NM_172364.5 (MANE Select); coding-DNA position 2407, C replaced by T.
Protein change: p.Arg803Cys; replaces arginine 803 with cysteine.
Molecular consequence: missense variant.
Genome position (GRCh38, 1-based): chr12:1,844,465, G>A on the plus strand (C>T on the coding strand, the complement: CACNA2D4 is on the minus strand). VCF-style: chr12-1844465-G-A. GRCh37 (hg19) VCF-style: chr12-1953631-G-A.
Other names: c.2407C>T (NM_172364.4); short protein forms R803C.
Identifiers: ClinVar variation 1482765 (VCV001482765.11), dbSNP rs201050373, ClinGen allele CA6386709.
Genomic context (GRCh38, chr12:1,844,465, plus strand): 5'-GTCCTTCTGCCCAGCGGAGGTTGAAGACGAAGCTGCCAGCAGGATGCTCTGAGGCCTGGC[G>A]GTACCACAGCGGGAAGCGGTCCAGGGTGAACACGCTGGCCTCGTCCTCAGGTGTCAGGAA-3'
Protein context (NP_758952.4, residues 793-813): FTLDRFPLWY[Arg803Cys]QASEHPAGSF

ClinVar aggregate classification (germline): Uncertain significance. Review status: criteria provided, multiple submitters, no conflicts (2 of 4 stars). 3 submissions from 3 submitters: Uncertain significance (3). Last evaluated 2025-09-25.

Conditions:
Inborn genetic diseases. Identifiers: MedGen C0950123, MeSH D030342.

Allele frequency attached by ClinVar (database versions not stated): gnomAD exomes 0.00001 and 0.00002; TOPMed 0.00002; ExAC 0.00003; gnomAD 0.00003; ESP Exome Variant Server 0.00008; 1000 Genomes Project 30x 0.00016; 1000 Genomes Project 0.00020.
gnomAD v4.1: 24 of 1,613,028 alleles (0.0015%); highest among the groups gnomAD compares: South Asian, 0.0022%; no homozygotes.

Submissions (3):

Ambry Genetics
Classification: Uncertain significance for Inborn genetic diseases. Last evaluated: 2025-09-25. Review status: criteria provided, single submitter. Criteria: Ambry Variant Classification Scheme 2023. Collection method: clinical testing. Allele origin: germline.

Labcorp Genetics (formerly Invitae), Labcorp
Classification: Uncertain significance. Last evaluated: 2023-08-17. Review status: criteria provided, single submitter. Criteria: Invitae Variant Classification Sherloc (09022015). Collection method: clinical testing. Allele origin: germline.
Comment: In summary, the available evidence is currently insufficient to determine the role of this variant in disease. Therefore, it has been classified as a Variant of Uncertain Significance. An algorithm developed to predict the effect of missense changes on protein structure and function (PolyPhen-2) suggests that this variant is likely to be disruptive. ClinVar contains an entry for this variant (Variation ID: 1482765). This variant has not been reported in the literature in individuals affected with CACNA2D4-related conditions. This variant is present in population databases (rs201050373, gnomAD 0.005%). This sequence change replaces arginine, which is basic and polar, with cysteine, which is neutral and slightly polar, at codon 803 of the CACNA2D4 protein (p.Arg803Cys).

Blueprint Genetics
Classification: Uncertain significance. Last evaluated: 2021-11-03. Review status: criteria provided, single submitter. Criteria: ACMG Guidelines, 2015. Collection method: clinical testing. Allele origin: germline.